The following is an entry in ClinVar:

ClinVar aggregate classification (germline): Uncertain significance. Review status: criteria provided, multiple submitters, no conflicts (2 of 4 stars). 4 submissions from 4 submitters: Uncertain significance (3). 1 of the submissions does not count toward it. Last evaluated 2024-01-13.

Conditions:
LPIN1-related disorder. Also called: LPIN1-related condition.
Myoglobinuria, acute recurrent, autosomal recessive. Also called: MYOGLOBINURIA, FAMILIAL PAROXYSMAL PARALYTIC; Myoglobinuria, recurrent, autosomal recessive; RHABDOMYOLYSIS, ACUTE RECURRENT. Identifiers: Orphanet 99845, MedGen C1849386, MONDO:0009992, OMIM 268200.

Allele frequency attached by ClinVar (database versions not stated): gnomAD 0.00001; gnomAD exomes 0.00001; TOPMed 0.00001; ExAC 0.00002.
gnomAD v4.1: 34 of 1,613,818 alleles (0.0021%); highest among the groups gnomAD compares: Non-Finnish European, 0.0028%; 1 homozygote.

Submissions (4):

Fulgent Genetics
Classification: Uncertain significance for Myoglobinuria, acute recurrent, autosomal recessive. Last evaluated: 2024-01-13. Review status: criteria provided, single submitter. Criteria: ACMG Guidelines, 2015. Collection method: clinical testing. Allele origin: germline.

Labcorp Genetics (formerly Invitae), Labcorp
Classification: Uncertain significance. Last evaluated: 2021-12-19. Review status: criteria provided, single submitter. Criteria: Invitae Variant Classification Sherloc (09022015). Collection method: clinical testing. Allele origin: germline.
Comment: This sequence change falls in intron 15 of the LPIN1 gene. It does not directly change the encoded amino acid sequence of the LPIN1 protein. It affects a nucleotide within the consensus splice site. This variant is present in population databases (rs773021902, gnomAD 0.0009%). This variant has not been reported in the literature in individuals affected with LPIN1-related conditions. ClinVar contains an entry for this variant (Variation ID: 373433). Variants that disrupt the consensus splice site are a relatively common cause of aberrant splicing (PMID: 17576681, 9536098). Algorithms developed to predict the effect of sequence changes on RNA splicing suggest that this variant may disrupt the consensus splice site. In summary, the available evidence is currently insufficient to determine the role of this variant in disease. Therefore, it has been classified as a Variant of Uncertain Significance.

GeneDx
Classification: Uncertain significance. Last evaluated: 2016-12-02. Review status: criteria provided, single submitter. Criteria: GeneDx Variant Classification (06012015). Collection method: clinical testing. Allele origin: germline. Affected: yes.
Comment: The c.2054+5G>A variant in the LPIN1 gene has not been reported previously as a pathogenic variant nor as a benign variant, to our knowledge. This variant reduces the quality of the splice donor site in intron 15, and is expected to cause abnormal gene splicing. However, in the absence of RNA/functional studies, the actual effect of c.2054+5G>A in this individual is unknown. The c.2054+5G>A variant was not observed in approximately 6,500 individuals of European and African American ancestry in the NHLBI Exome Sequencing Project, indicating it is not a common benign variant in these populations. We interpret c.2054+5G>A as a variant of uncertain significance.

PreventionGenetics, part of Exact Sciences
Classification: Likely benign for LPIN1-related condition. Last evaluated: 2020-04-21. Review status: no assertion criteria provided. Collection method: clinical testing. Allele origin: germline. Not counted in ClinVar's aggregate classification.
Comment: This variant is classified as likely benign based on ACMG/AMP sequence variant interpretation guidelines (Richards et al. 2015 PMID: 25741868, with internal and published modifications).

Literature cited by the submitters: PubMed 17576681 (cited by Labcorp Genetics (formerly Invitae), Labcorp); PubMed 9536098 (cited by Labcorp Genetics (formerly Invitae), Labcorp).

NM_001349206.2(LPIN1):c.2162+5G>A

Gene: LPIN1 (lipin 1; plus strand). Cytogenetic location: 2p25.1.
Variant type: single nucleotide variant.
Coding change: c.2162+5G>A on transcript NM_001349206.2 (MANE Select); 5 bases into the intron after coding-DNA position 2162, G replaced by A.
Molecular consequence: intron variant.
Genome position (GRCh38, 1-based): chr2:11,804,576, G>A. VCF-style: chr2-11804576-G-A. GRCh37 (hg19) VCF-style: chr2-11944702-G-A.
Other names: c.2309+5G>A (NM_001261428.3); c.2201+5G>A (NM_001349208.2); c.2252+5G>A (NM_001349207.2); c.2072+5G>A (NM_001261427.3); c.2162+5G>A (NM_001349204.2, NM_001349205.2); c.2159+5G>A (NM_001349202.2, NM_001349203.2); c.2132+5G>A (NM_001349200.2, NM_001349201.2); c.2054+5G>A (NM_001349199.2, NM_145693.4).
Identifiers: ClinVar variation 373433 (VCV000373433.5), dbSNP rs773021902, ClinGen allele CA1534005.